The following is an entry in ClinVar:

ClinVar aggregate classification (germline): Pathogenic (1 of 4 stars; one submission).

Conditions:
Ataxia-telangiectasia syndrome (AT). Also called: Ataxia telangiectasia (A-T); ATAXIA-TELANGIECTASIA, COMPLEMENTATION GROUP A; ATAXIA-TELANGIECTASIA, FRESNO VARIANT; Ataxia-telangiectasia; Ataxia-telangiectasia, complementation group E; LOUIS-BAR SYNDROME. Identifiers: Orphanet 100, MedGen C0004135, MONDO:0008840, OMIM 208900.

Submission:

Labcorp Genetics (formerly Invitae), Labcorp
Classification: Pathogenic for Ataxia-telangiectasia syndrome. Last evaluated: 2025-11-10. Review status: criteria provided, single submitter. Criteria: Invitae Variant Classification Sherloc (09022015). Collection method: clinical testing. Allele origin: germline.
Comment: This sequence change creates a premature translational stop signal (p.Tyr2817*) in the ATM gene. It is expected to result in an absent or disrupted protein product. Loss-of-function variants in ATM are known to be pathogenic (PMID: 23807571, 25614872). This variant is not present in population databases (gnomAD no frequency). This variant has not been reported in the literature in individuals affected with ATM-related conditions. ClinVar contains an entry for this variant (Variation ID: 1075668). For these reasons, this variant has been classified as Pathogenic.

Literature cited by the submitters: PubMed 23807571; PubMed 25614872.

NM_000051.4(ATM):c.8451T>A (p.Tyr2817Ter)

Genes: C11orf65 (chromosome 11 open reading frame 65; minus strand), ATM (ATM serine/threonine kinase; plus strand). Cytogenetic location: 11q22.3.
Variant type: single nucleotide variant.
Coding change: c.8451T>A on transcript NM_000051.4 (MANE Select); coding-DNA position 8451, T replaced by A.
Protein change: p.Tyr2817Ter; replaces tyrosine 2817 with a stop codon.
Molecular consequence: nonsense. On other transcripts: intron variant (2).
Genome position (GRCh38, 1-based): chr11:108,345,775, T>A. VCF-style: chr11-108345775-T-A. GRCh37 (hg19) VCF-style: chr11-108216502-T-A.
Other names: c.695-10483A>T (NM_001351110.2); c.8451T>A, p.Tyr2817Ter (NM_001351834.2); c.641-36704A>T (NM_001330368.2); short protein forms Y2817*.
Identifiers: ClinVar variation 1075668 (VCV001075668.45), dbSNP rs2137026687, ClinGen allele CA382517901.